The following is an entry in ClinVar:

NM_000138.5(FBN1):c.5836C>T (p.Gln1946Ter)

Gene: FBN1 (fibrillin 1; minus strand). Cytogenetic location: 15q21.1.
Variant type: single nucleotide variant.
Coding change: c.5836C>T on transcript NM_000138.5 (MANE Select); coding-DNA position 5836, C replaced by T.
Protein change: p.Gln1946Ter; replaces glutamine 1946 with a stop codon.
Molecular consequence: nonsense.
Genome position (GRCh38, 1-based): chr15:48,445,457, G>A on the plus strand (C>T on the coding strand, the complement: FBN1 is on the minus strand). VCF-style: chr15-48445457-G-A. GRCh37 (hg19) VCF-style: chr15-48737654-G-A.
Other names: c.5836C>T, p.Gln1946Ter (NM_001406716.1); short protein forms Q1946*.
Identifiers: ClinVar variation 2137683 (VCV002137683.4), dbSNP rs2505455537, ClinGen allele CA392340099.

ClinVar aggregate classification (germline): Pathogenic (1 of 4 stars; one submission).

Conditions:
Familial thoracic aortic aneurysm and aortic dissection (TAAD). Also called: Thoracic aortic aneurysms and dissections. Identifiers: Orphanet 91387, MedGen C4707243, MONDO:0019625.
Marfan syndrome (MFS). Also called: MARFAN SYNDROME, TYPE I; Marfan syndrome type 1; Marfan's syndrome; Marfan syndrome, classic; FBN1-Related Marfan Syndrome. Identifiers: Orphanet 284963, Orphanet 558, MedGen C0024796, MONDO:0007947, OMIM 154700.

Submission:

Labcorp Genetics (formerly Invitae), Labcorp
Classification: Pathogenic for Marfan syndrome; Familial thoracic aortic aneurysm and aortic dissection. Last evaluated: 2022-04-08. Review status: criteria provided, single submitter. Criteria: Invitae Variant Classification Sherloc (09022015). Collection method: clinical testing. Allele origin: germline.
Comment: This sequence change creates a premature translational stop signal (p.Gln1946*) in the FBN1 gene. It is expected to result in an absent or disrupted protein product. Loss-of-function variants in FBN1 are known to be pathogenic (PMID: 17657824, 19293843). For these reasons, this variant has been classified as Pathogenic. This premature translational stop signal has been observed in individual(s) with Marfan syndrome (PMID: 16222657). This variant is not present in population databases (gnomAD no frequency).

Literature cited by the submitters: PubMed 17657824; PubMed 19293843; PubMed 16222657.